The following is an entry in ClinVar:

ClinVar aggregate classification (germline): Uncertain significance. Review status: criteria provided, multiple submitters, no conflicts (2 of 4 stars). 2 submissions from 2 submitters: Uncertain significance (2). Last evaluated 2024-11-20.

Conditions:
Hereditary cancer-predisposing syndrome. Also called: Hereditary Cancer Syndrome; Hereditary neoplastic syndrome; Neoplastic Syndromes, Hereditary; Tumor predisposition. Identifiers: Orphanet 140162, MedGen C0027672, MeSH D009386, MONDO:0015356.
Cardiovascular phenotype. Identifiers: MedGen CN230736.

Submissions (2):

Ambry Genetics
Classification: Uncertain significance for Cardiovascular phenotype; Hereditary cancer-predisposing syndrome. Last evaluated: 2024-11-20. Review status: criteria provided, single submitter. Criteria: Ambry Variant Classification Scheme 2023. Collection method: clinical testing. Allele origin: germline.
Comment: The p.G404A variant (also known as c.1211G>C), located in coding exon 11 of the LZTR1 gene, results from a G to C substitution at nucleotide position 1211. The glycine at codon 404 is replaced by alanine, an amino acid with similar properties. This amino acid position is highly conserved in available vertebrate species. In addition, this alteration is predicted to be deleterious by in silico analysis. Based on the available evidence, the clinical significance of this variant remains unclear.

Labcorp Genetics (formerly Invitae), Labcorp
Classification: Uncertain significance. Last evaluated: 2024-04-24. Review status: criteria provided, single submitter. Criteria: Invitae Variant Classification Sherloc (09022015). Collection method: clinical testing. Allele origin: germline.
Comment: This sequence change replaces glycine, which is neutral and non-polar, with alanine, which is neutral and non-polar, at codon 404 of the LZTR1 protein (p.Gly404Ala). This variant is not present in population databases (gnomAD no frequency). This variant has not been reported in the literature in individuals affected with LZTR1-related conditions. ClinVar contains an entry for this variant (Variation ID: 1926768). Advanced modeling of protein sequence and biophysical properties (such as structural, functional, and spatial information, amino acid conservation, physicochemical variation, residue mobility, and thermodynamic stability) performed at Invitae indicates that this missense variant is not expected to disrupt LZTR1 protein function with a negative predictive value of 80%. This variant disrupts the p.Gly404 amino acid residue in LZTR1. Other variant(s) that disrupt this residue have been determined to be pathogenic (PMID: 24362817, 27856782, 30442762, 35698239). This suggests that this residue is clinically significant, and that variants that disrupt this residue are likely to be disease-causing. In summary, the available evidence is currently insufficient to determine the role of this variant in disease. Therefore, it has been classified as a Variant of Uncertain Significance.

Literature cited by the submitters: PubMed 24362817 (cited by Labcorp Genetics (formerly Invitae), Labcorp); PubMed 27856782 (cited by Labcorp Genetics (formerly Invitae), Labcorp); PubMed 30442762 (cited by Labcorp Genetics (formerly Invitae), Labcorp); PubMed 35698239 (cited by Labcorp Genetics (formerly Invitae), Labcorp).

NM_006767.4(LZTR1):c.1211G>C (p.Gly404Ala)

Gene: LZTR1 (leucine zipper like post translational regulator 1; plus strand). Cytogenetic location: 22q11.21.
Variant type: single nucleotide variant.
Coding change: c.1211G>C on transcript NM_006767.4 (MANE Select); coding-DNA position 1211, G replaced by C.
Protein change: p.Gly404Ala; replaces glycine 404 with alanine.
Molecular consequence: missense variant.
Genome position (GRCh38, 1-based): chr22:20,992,855, G>C. VCF-style: chr22-20992855-G-C. GRCh37 (hg19) VCF-style: chr22-21347144-G-C.
Other names: c.1211G>C (NM_006767.3); short protein forms G404A.
Identifiers: ClinVar variation 1926768 (VCV001926768.6), dbSNP rs1336357887, ClinGen allele CA410773933.